The following is an entry in ClinVar:

NM_000238.4(KCNH2):c.2689A>G (p.Lys897Glu)

Gene: KCNH2 (potassium voltage-gated channel subfamily H member 2; minus strand). Cytogenetic location: 7q36.1.
Variant type: single nucleotide variant.
Coding change: c.2689A>G on transcript NM_000238.4 (MANE Select); coding-DNA position 2689, A replaced by G.
Protein change: p.Lys897Glu; replaces lysine 897 with glutamic acid.
Molecular consequence: missense variant. On other transcripts: non-coding transcript variant (2).
Genome position (GRCh38, 1-based): chr7:150,948,447, T>C on the plus strand (A>G on the coding strand, the complement: KCNH2 is on the minus strand). VCF-style: chr7-150948447-T-C. GRCh37 (hg19) VCF-style: chr7-150645535-T-C.
Other names: c.2401A>G, p.Lys801Glu (NM_001406753.1); c.1669A>G, p.Lys557Glu (NM_172057.3); short protein forms K801E, K557E, K897E.
Identifiers: ClinVar variation 2773428 (VCV002773428.2), dbSNP rs2486011824, ClinGen allele CA369853613.
Genomic context (GRCh38, chr7:150,948,447, plus strand): 5'-CAGCTCCCAGCCTCACCTTGTCCCCGCCCTCCCCCTTCCTCCCCTCCCCCGCCTCACCCT[T>C]GTCCGTGCGCCTGCGGAAGGACAACTTGCGCTTGCGTTGCCGACTGAAGCCACCCTCTAA-3'
Protein context (NP_000229.1, residues 887-907): RKLSFRRRTD[Lys897Glu]DTEQPGEVSA

ClinVar aggregate classification (germline): Uncertain significance (1 of 4 stars; one submission).

Conditions:
Cardiac arrhythmia. Also called: Arrhythmia; Cardiac rhythm disease. Identifiers: MedGen C0003811, MONDO:0007263, HP:0011675.

Submission:

Color Diagnostics, LLC DBA Color Health
Classification: Uncertain significance for Cardiac arrhythmia. Last evaluated: 2022-01-25. Review status: criteria provided, single submitter. Criteria: ACMG Guidelines, 2015. Collection method: clinical testing. Allele origin: germline.
Comment: This missense variant replaces lysine with glutamic acid at codon 897 of the KCNH2 protein. Computational prediction is inconclusive regarding the impact of this variant on protein structure and function (internally defined REVEL score threshold 0.5 < inconclusive < 0.7, PMID: 27666373). To our knowledge, functional studies have not been reported for this variant. This variant has been reported in an individual suspected of having epilepsy and in an individual who was not affected with inherited arrhythmia but suspected of other cardiovascular disease (PMID: 31696929). This variant has not been identified in the general population by the Genome Aggregation Database (gnomAD). The available evidence is insufficient to determine the role of this variant in disease conclusively. Therefore, this variant is classified as a Variant of Uncertain Significance.

Literature cited by the submitters: PubMed 31696929.